The following is an entry in ClinVar:

NM_014844.5(TECPR2):c.2871G>A (p.Leu957=)

Gene: TECPR2 (tectonin beta-propeller repeat containing 2; plus strand). Cytogenetic location: 14q32.31.
Variant type: single nucleotide variant.
Coding change: c.2871G>A on transcript NM_014844.5 (MANE Select); coding-DNA position 2871, G replaced by A.
Protein change: p.Leu957=; no amino-acid change (leucine 957 retained).
Molecular consequence: synonymous variant.
Genome position (GRCh38, 1-based): chr14:102,443,765, G>A. VCF-style: chr14-102443765-G-A. GRCh37 (hg19) VCF-style: chr14-102910102-G-A.
Other names: c.2871G>A, p.Leu957= (NM_001172631.3).
Identifiers: ClinVar variation 1151598 (VCV001151598.33), dbSNP rs770910435, ClinGen allele CA7358068.

ClinVar aggregate classification (germline): Likely benign. Review status: criteria provided, multiple submitters, no conflicts (2 of 4 stars). 2 submissions from 2 submitters: Likely benign (2). Last evaluated 2025-10-23.

Conditions:
Hereditary spastic paraplegia 49 (HSAN9). Also called: NEUROPATHY, HEREDITARY SENSORY AND AUTONOMIC, TYPE IX, WITH DEVELOPMENTAL DELAY; TECPR2-Related Hereditary Sensory and Autonomic Neuropathy with Intellectual Disability; Spastic paraplegia 49, autosomal recessive. Identifiers: Orphanet 320385, MedGen C5190860, MONDO:0014016, OMIM 615031.

Allele frequency attached by ClinVar (database versions not stated): gnomAD 0.00001 and 0.00002; ExAC 0.00002; gnomAD exomes 0.00002 and 0.00003.
gnomAD v4.1: 46 of 1,610,024 alleles (0.0029%); highest among the groups gnomAD compares: Non-Finnish European, 0.0037%; no homozygotes.

Submissions (2):

Labcorp Genetics (formerly Invitae), Labcorp
Classification: Likely benign for Hereditary spastic paraplegia 49. Last evaluated: 2025-10-23. Review status: criteria provided, single submitter. Criteria: Invitae Variant Classification Sherloc (09022015). Collection method: clinical testing. Allele origin: germline.

CeGaT Center for Human Genetics Tuebingen
Classification: Likely benign. Last evaluated: 2022-09-01. Review status: criteria provided, single submitter. Criteria: CeGaT Center For Human Genetics Tuebingen Variant Classification Criteria Version 2. Collection method: clinical testing. Allele origin: germline. Affected: yes. Observed: 1 variant allele.
Comment: TECPR2: BP4, BP7